The following is an entry in ClinVar:

NM_001161352.2(KCNMA1):c.36CGG[8] (p.Gly20dup)

Gene: KCNMA1 (potassium calcium-activated channel subfamily M alpha 1; minus strand). Cytogenetic location: 10q22.3.
Variant type: Microsatellite.
Coding change: c.36CGG[8] on transcript NM_001161352.2 (MANE Select); eight copies in a row of the 3-base unit CGG starting at c.36; the reference has seven copies in a row; one copy, 3 bases duplicated; also written c.54_56dup.
Protein change: p.Gly20dup; duplicates glycine 20.
Molecular consequence: inframe insertion.
Genome position (GRCh38, 1-based): chr10:77,637,587-77,637,589, CCG duplicated on the plus strand (CGG on the coding strand, the reverse complement: KCNMA1 is on the minus strand); duplicating any 3 consecutive bases within chr10:77,637,587-77,637,608 gives the same sequence; the position shown is the placement nearest the transcript's 3' end. VCF-style (leftmost placement, unchanged base first): chr10-77637586-T-TCCG. GRCh37 (hg19) VCF-style: chr10-79397344-T-TCCG.
Other names: c.54_56dup (NM_002247.3, NM_001161352.2); c.54_56dupCGG (NM_002247.3); c.36CGG[8], p.Gly20dup (NM_001014797.3, NM_001161353.2, NM_001271518.2 and 12 more transcripts).
Identifiers: ClinVar variation 193225 (VCV000193225.59), dbSNP rs760628050, ClinGen allele CA238738.

ClinVar aggregate classification (germline): Conflicting classifications of pathogenicity. Review status: criteria provided, conflicting classifications (1 of 4 stars). 7 submissions from 7 submitters: Uncertain significance (3); Likely benign (3). 1 of the submissions does not count toward it. Last evaluated 2026-08-04.

Conditions:
KCNMA1-related disorder. Also called: KCNMA1-related disorders; KCNMA1-related condition.
Generalized epilepsy-paroxysmal dyskinesia syndrome (PNKD3). Also called: Paroxysmal nonkinesigenic dyskinesia, 3, with or without generalized epilepsy; Generalized epilepsy and paroxysmal dyskinesia. Identifiers: Orphanet 79137, MedGen C5574945, MONDO:0012276, OMIM 609446.
Infantile epileptic dyskinetic encephalopathy. Identifiers: Orphanet 364063, MedGen C4552072, MONDO:0018226.
Inborn genetic diseases. Identifiers: MedGen C0950123, MeSH D030342.

Submissions (7):

GeneDx
Classification: Uncertain significance. Last evaluated: 2026-08-04. Review status: criteria provided, single submitter. Criteria: GeneDx Variant Classification Process June 2021. Collection method: clinical testing. Allele origin: germline.
Comment: In-frame duplication of 1 amino acid in a repetitive region with no known function; Has not been previously published as pathogenic or benign to our knowledge

CeGaT Center for Human Genetics Tuebingen
Classification: Likely benign. Last evaluated: 2026-08-01. Review status: criteria provided, single submitter. Criteria: CeGaT Center For Human Genetics Tuebingen Variant Classification Criteria Version 2. Collection method: clinical testing. Allele origin: germline. Affected: yes. Observed: 8 variant alleles.
Comment: KCNMA1: BP3, BS2

Labcorp Genetics (formerly Invitae), Labcorp
Classification: Uncertain significance for Generalized epilepsy-paroxysmal dyskinesia syndrome. Last evaluated: 2026-02-02. Review status: criteria provided, single submitter. Criteria: Invitae Variant Classification Sherloc (09022015). Collection method: clinical testing. Allele origin: germline.
Comment: This variant, c.54_56dup, results in the insertion of 1 amino acid(s) of the KCNMA1 protein (p.Gly20dup), but otherwise preserves the integrity of the reading frame. The frequency data for this variant in the population databases is considered unreliable, as metrics indicate poor data quality at this position in the gnomAD database. This variant has not been reported in the literature in individuals affected with KCNMA1-related conditions. ClinVar contains an entry for this variant (Variation ID: 193225). Experimental studies and prediction algorithms are not available or were not evaluated, and the functional significance of this variant is currently unknown. In summary, the available evidence is currently insufficient to determine the role of this variant in disease. Therefore, it has been classified as a Variant of Uncertain Significance.

Ambry Genetics
Classification: Likely benign for Inborn genetic diseases. Last evaluated: 2021-03-31. Review status: criteria provided, single submitter. Criteria: Ambry Variant Classification Scheme 2023. Collection method: clinical testing. Allele origin: germline.

Athena Diagnostics
Classification: Uncertain significance. Last evaluated: 2017-04-28. Review status: criteria provided, single submitter. Criteria: Athena Diagnostics Criteria. Collection method: clinical testing. Allele origin: germline.

Eurofins Ntd Llc (ga)
Classification: Likely benign. Last evaluated: 2016-04-05. Review status: criteria provided, single submitter. Criteria: EGL Classification Definitions. Collection method: clinical testing. Allele origin: germline. Observed: 3 variant alleles, 3 heterozygotes.

PreventionGenetics, part of Exact Sciences
Classification: Likely benign for KCNMA1-related condition. Last evaluated: 2022-09-08. Review status: no assertion criteria provided. Collection method: clinical testing. Allele origin: germline. Not counted in ClinVar's aggregate classification.
Comment: This variant is classified as likely benign based on ACMG/AMP sequence variant interpretation guidelines (Richards et al. 2015 PMID: 25741868, with internal and published modifications).